The following is an entry in ClinVar:

ClinVar aggregate classification (germline): Pathogenic. Review status: criteria provided, multiple submitters, no conflicts (2 of 4 stars). 2 submissions from 2 submitters: Pathogenic (2). Last evaluated 2024-05-14.

Conditions:
Primary ciliary dyskinesia. Also called: Ciliary dyskinesia. Identifiers: Orphanet 244, MedGen C0008780, MONDO:0016575, HP:0012265.
Primary ciliary dyskinesia 3. Identifiers: Orphanet 244, MedGen C1837618, MONDO:0012085, OMIM 608644.

Allele frequency attached by ClinVar (database versions not stated): gnomAD exomes below 0.00001.
gnomAD v4.1: 1 of 1,614,016 alleles (0.000062%); highest among the groups gnomAD compares: Non-Finnish European, 0.000085%; no homozygotes.

Submissions (2):

Myriad Genetics, Inc.
Classification: Pathogenic for Primary ciliary dyskinesia 3. Last evaluated: 2024-05-14. Review status: criteria provided, single submitter. Criteria: Myriad Autosomal Dominant, Autosomal Recessive and X-Linked Classification Criteria (2023). Collection method: clinical testing. Allele origin: unknown.
Comment: NM_001369.2(DNAH5):c.3949C>T(Q1317*) is expected to be pathogenic in the context of primary ciliary dyskinesia, DNAH5-related. This variant is predicted to lead to an abnormal or absent protein product due to the creation of a premature termination codon in DNAH5, a gene where loss-of-function variants are known to be pathogenic. Please note: this variant was assessed in the context of healthy population screening.

Centre for Genomic and Experimental Medicine, University of Edinburgh
Classification: Pathogenic for Primary ciliary dyskinesia. Last evaluated: 2020-04-01. Review status: criteria provided, single submitter. Criteria: ACMG Guidelines, 2015. Collection method: research. Allele origin: unknown. Affected: yes. Observed: 1 compound heterozygote.

NM_001369.3(DNAH5):c.3949C>T (p.Gln1317Ter)

Genes: DNAH5 (dynein axonemal heavy chain 5; minus strand), DNAH5-AS1 (DNAH5 antisense RNA 1; plus strand). Cytogenetic location: 5p15.2.
Variant type: single nucleotide variant.
Coding change: c.3949C>T on transcript NM_001369.3 (MANE Select); coding-DNA position 3949, C replaced by T.
Protein change: p.Gln1317Ter; replaces glutamine 1317 with a stop codon.
Molecular consequence: nonsense.
Genome position (GRCh38, 1-based): chr5:13,867,878, G>A on the plus strand (C>T on the coding strand, the complement: DNAH5 is on the minus strand). VCF-style: chr5-13867878-G-A. GRCh37 (hg19) VCF-style: chr5-13867987-G-A.
Other names: short protein forms Q1317*.
Identifiers: ClinVar variation 916124 (VCV000916124.2), dbSNP rs1769508571, ClinGen allele CA359229059.